The following is an entry in ClinVar:

ClinVar aggregate classification (germline): Pathogenic (1 of 4 stars; one submission).

Submission:

Labcorp Genetics (formerly Invitae), Labcorp
Classification: Pathogenic. Last evaluated: 2020-10-13. Review status: criteria provided, single submitter. Criteria: Invitae Variant Classification Sherloc (09022015). Collection method: clinical testing. Allele origin: germline.
Comment: For these reasons, this variant has been classified as Pathogenic. Loss-of-function variants in LAMB3 are known to be pathogenic (PMID: 11023379, 16473856). Algorithms developed to predict the effect of sequence changes on RNA splicing suggest that this variant may create or strengthen a splice site, but this prediction has not been confirmed by published transcriptional studies. This variant has not been reported in the literature in individuals with LAMB3-related conditions. This variant is not present in population databases (ExAC no frequency). This sequence change creates a premature translational stop signal (p.Arg958Valfs*72) in the LAMB3 gene. It is expected to result in an absent or disrupted protein product.

Literature cited by the submitters: PubMed 11023379; PubMed 16473856.

NM_000228.3(LAMB3):c.2872del (p.Arg958fs)

Gene: LAMB3 (laminin subunit beta 3; minus strand). Cytogenetic location: 1q32.2.
Variant type: Deletion.
Coding change: c.2872del on transcript NM_000228.3 (MANE Select); coding-DNA position 2872, one base deleted (C; older notation c.2872delC).
Protein change: p.Arg958fs; shifts the reading frame from arginine 958.
Molecular consequence: frameshift variant.
Genome position (GRCh38, 1-based): chr1:209,618,489, G deleted on the plus strand (C on the coding strand, the reverse complement: LAMB3 is on the minus strand). VCF-style (leftmost placement, unchanged base first): chr1-209618488-CG-C. GRCh37 (hg19) VCF-style: chr1-209791833-CG-C.
Other names: c.2872del, p.Arg958fs (NM_001017402.2, NM_001127641.1); short protein forms R958fs.
Identifiers: ClinVar variation 1071957 (VCV001071957.7), dbSNP rs2102406610, ClinGen allele CA2499214416.